The following is an entry in ClinVar:

NM_000081.4(LYST):c.10360G>T (p.Glu3454Ter)

Gene: LYST (lysosomal trafficking regulator; minus strand). Cytogenetic location: 1q42.3.
Variant type: single nucleotide variant.
Coding change: c.10360G>T on transcript NM_000081.4 (MANE Select); coding-DNA position 10360, G replaced by T.
Protein change: p.Glu3454Ter; replaces glutamic acid 3454 with a stop codon.
Molecular consequence: nonsense.
Genome position (GRCh38, 1-based): chr1:235,702,761, C>A on the plus strand (G>T on the coding strand, the complement: LYST is on the minus strand). VCF-style: chr1-235702761-C-A. GRCh37 (hg19) VCF-style: chr1-235866061-C-A.
Other names: c.10360G>T, p.Glu3454Ter (NM_001301365.1); short protein forms E3454*.
Identifiers: ClinVar variation 2764570 (VCV002764570.3), dbSNP rs2527322667, ClinGen allele CA344931015.

ClinVar aggregate classification (germline): Pathogenic (1 of 4 stars; one submission).

Conditions:
Chédiak-Higashi syndrome (CHS). Also called: Chediak-Higashi Syndrome. Identifiers: Orphanet 167, MedGen C0007965, MONDO:0008963, OMIM 214500.

Allele frequency attached by ClinVar (database versions not stated): gnomAD exomes below 0.00001.
gnomAD v4.1: 1 of 1,614,100 alleles (0.000062%); highest among the groups gnomAD compares: Non-Finnish European, 0.000085%; no homozygotes.

Submission:

Labcorp Genetics (formerly Invitae), Labcorp
Classification: Pathogenic for Chédiak-Higashi syndrome. Last evaluated: 2023-09-30. Review status: criteria provided, single submitter. Criteria: Invitae Variant Classification Sherloc (09022015). Collection method: clinical testing. Allele origin: germline.
Comment: For these reasons, this variant has been classified as Pathogenic. Algorithms developed to predict the effect of sequence changes on RNA splicing suggest that this variant may disrupt the consensus splice site. This variant has not been reported in the literature in individuals affected with LYST-related conditions. This variant is not present in population databases (gnomAD no frequency). This sequence change creates a premature translational stop signal (p.Glu3454*) in the LYST gene. It is expected to result in an absent or disrupted protein product. Loss-of-function variants in LYST are known to be pathogenic (PMID: 9215679, 11857544).

Literature cited by the submitters: PubMed 9215679; PubMed 11857544.